The following is an entry in ClinVar:

ClinVar aggregate classification (germline): Uncertain significance. Review status: criteria provided, multiple submitters, no conflicts (2 of 4 stars). 2 submissions from 2 submitters: Uncertain significance (2). Last evaluated 2025-10-29.

Conditions:
Inborn genetic diseases. Identifiers: MedGen C0950123, MeSH D030342.
Duane-radial ray syndrome (DRRS). Also called: Duane-Radial Ray Syndrome/Okihiro Syndrome; Okihiro Syndrome; Duane-Radial Ray Syndrome (DRRS) / Okihiro Syndrome; ACRORENOOCULAR SYNDROME; DR SYNDROME; DUANE ANOMALY WITH RADIAL RAY ABNORMALITIES AND DEAFNESS. Identifiers: Orphanet 93293, Orphanet 959, MedGen C1623209, MONDO:0011812, OMIM 607323. Disease mechanism: gain of function.

Allele frequency attached by ClinVar (database versions not stated): gnomAD 0.00003; ESP Exome Variant Server 0.00008.

Submissions (2):

Ambry Genetics
Classification: Uncertain significance for Inborn genetic diseases. Last evaluated: 2025-10-29. Review status: criteria provided, single submitter. Criteria: Ambry Variant Classification Scheme 2023. Collection method: clinical testing. Allele origin: germline.

Labcorp Genetics (formerly Invitae), Labcorp
Classification: Uncertain significance for Duane-radial ray syndrome. Last evaluated: 2024-02-18. Review status: criteria provided, single submitter. Criteria: Invitae Variant Classification Sherloc (09022015). Collection method: clinical testing. Allele origin: germline.
Comment: This sequence change replaces aspartic acid, which is acidic and polar, with asparagine, which is neutral and polar, at codon 692 of the SALL4 protein (p.Asp692Asn). This variant is present in population databases (rs368110603, gnomAD 0.003%). This variant has not been reported in the literature in individuals affected with SALL4-related conditions. ClinVar contains an entry for this variant (Variation ID: 2147131). An algorithm developed to predict the effect of missense changes on protein structure and function (PolyPhen-2) suggests that this variant is likely to be disruptive. In summary, the available evidence is currently insufficient to determine the role of this variant in disease. Therefore, it has been classified as a Variant of Uncertain Significance.

NM_020436.5(SALL4):c.2074G>A (p.Asp692Asn)

Gene: SALL4 (spalt like transcription factor 4; minus strand). Cytogenetic location: 20q13.2.
Variant type: single nucleotide variant.
Coding change: c.2074G>A on transcript NM_020436.5 (MANE Select); coding-DNA position 2074, G replaced by A.
Protein change: p.Asp692Asn; replaces aspartic acid 692 with asparagine.
Molecular consequence: missense variant. On other transcripts: intron variant (1).
Genome position (GRCh38, 1-based): chr20:51,790,409, C>T on the plus strand (G>A on the coding strand, the complement: SALL4 is on the minus strand). VCF-style: chr20-51790409-C-T. GRCh37 (hg19) VCF-style: chr20-50406948-C-T.
Other names: c.1150+924G>A (NM_001318031.2); short protein forms D692N.
Identifiers: ClinVar variation 2147131 (VCV002147131.5), dbSNP rs368110603, ClinGen allele CA9912175.